The following is an entry in ClinVar:

ClinVar aggregate classification (germline): Uncertain significance (1 of 4 stars; one submission).

Conditions:
Cardiovascular phenotype. Identifiers: MedGen CN230736.

Allele frequency attached by ClinVar (database versions not stated): gnomAD exomes below 0.00001; gnomAD 0.00001; TOPMed 0.00001.
gnomAD v4.1: 5 of 1,614,024 alleles (0.00031%); highest among the groups gnomAD compares: South Asian, 0.0033%; no homozygotes.

Submission:

Ambry Genetics
Classification: Uncertain significance for Cardiovascular phenotype. Last evaluated: 2023-01-16. Review status: criteria provided, single submitter. Criteria: Ambry Variant Classification Scheme 2023. Collection method: clinical testing. Allele origin: germline.
Comment: The p.T663M variant (also known as c.1988C>T), located in coding exon 13 of the SCN10A gene, results from a C to T substitution at nucleotide position 1988. The threonine at codon 663 is replaced by methionine, an amino acid with similar properties. This amino acid position is conserved. In addition, this alteration is predicted to be tolerated by in silico analysis. Since supporting evidence is limited at this time, the clinical significance of this alteration remains unclear.

NM_006514.4(SCN10A):c.1988C>T (p.Thr663Met)

Gene: SCN10A (sodium voltage-gated channel alpha subunit 10; minus strand). Cytogenetic location: 3p22.2.
Variant type: single nucleotide variant.
Coding change: c.1988C>T on transcript NM_006514.4 (MANE Select); coding-DNA position 1988, C replaced by T.
Protein change: p.Thr663Met; replaces threonine 663 with methionine.
Molecular consequence: missense variant.
Genome position (GRCh38, 1-based): chr3:38,742,409, G>A on the plus strand (C>T on the coding strand, the complement: SCN10A is on the minus strand). VCF-style: chr3-38742409-G-A. GRCh37 (hg19) VCF-style: chr3-38783900-G-A.
Other names: c.1988C>T, p.Thr663Met (NM_001293306.2); c.1694C>T, p.Thr565Met (NM_001293307.2); short protein forms T565M, T663M.
Identifiers: ClinVar variation 2448847 (VCV002448847.2), dbSNP rs1161786818, ClinGen allele CA352165584.